The following is an entry in ClinVar:

NM_198060.4(NRAP):c.1916A>G (p.His639Arg)

Gene: NRAP (nebulin related anchoring protein; minus strand). Cytogenetic location: 10q25.3.
Variant type: single nucleotide variant.
Coding change: c.1916A>G on transcript NM_198060.4 (MANE Select); coding-DNA position 1916, A replaced by G.
Protein change: p.His639Arg; replaces histidine 639 with arginine.
Molecular consequence: missense variant.
Genome position (GRCh38, 1-based): chr10:113,629,712, T>C on the plus strand (A>G on the coding strand, the complement: NRAP is on the minus strand). VCF-style: chr10-113629712-T-C. GRCh37 (hg19) VCF-style: chr10-115389471-T-C.
Other names: c.1916A>G, p.His639Arg (NM_001261463.2, NM_001322945.2); c.1811A>G, p.His604Arg (NM_006175.5); short protein forms H604R, H639R.
Identifiers: ClinVar variation 3921733 (VCV003921733.3).

ClinVar aggregate classification (germline): Uncertain significance. Review status: criteria provided, multiple submitters, no conflicts (2 of 4 stars). 2 submissions from 2 submitters: Uncertain significance (2). Last evaluated 2025-09-10.

Conditions:
Inborn genetic diseases. Identifiers: MedGen C0950123, MeSH D030342.

gnomAD v4.1: 9 of 1,613,864 alleles (0.00056%); highest among the groups gnomAD compares: Admixed American, 0.005%; no homozygotes.

Submissions (2):

Dasa
Classification: Uncertain significance. Last evaluated: 2025-09-10. Review status: criteria provided, single submitter. Criteria: DASA Assertion Criteria. Collection method: clinical testing. Allele origin: germline.
Comment: NM_198060.4(NRAP):c.1916A>G (p.His639Arg) is a missense variant that results in the substitution of histidine with arginine. This variant is rare in population databases. The currently available literature and clinical evidence are not sufficient to establish a definitive association between this variant and the reported condition. Therefore, this variant is classified as a variant of uncertain significance.

Ambry Genetics
Classification: Uncertain significance for Inborn genetic diseases. Last evaluated: 2025-06-10. Review status: criteria provided, single submitter. Criteria: Ambry Variant Classification Scheme 2023. Collection method: clinical testing. Allele origin: germline.